The following is an entry in ClinVar:

ClinVar aggregate classification (germline): Uncertain significance (1 of 4 stars; one submission).

Allele frequency attached by ClinVar (database versions not stated): gnomAD exomes below 0.00001.
gnomAD v4.1: 1 of 1,612,428 alleles (0.000062%); highest among the groups gnomAD compares: East Asian, 0.0022%; no homozygotes.

Submission:

GeneDx
Classification: Uncertain significance. Last evaluated: 2018-04-09. Review status: criteria provided, single submitter. Criteria: GeneDx Variant Classification (06012015). Collection method: clinical testing. Allele origin: germline. Affected: yes.
Comment: The variant of uncertain significance K262T in the COL5A2 gene has not been published as a pathogenic or benign variant to our knowledge. This variant was not observed in approximately 6,500 individuals of European and African American ancestry in the NHLBI Exome Sequencing Project, indicating it is not a common benign variant in these populations. The K262T variant is a semi-conservative amino acid substitution, which may impact secondary protein structure as these residues differ in some properties, and occurs at a position conserved across species. Consequently, in silico analysis predicts this variant is probably damaging to the protein structure/function. Nevertheless, no missense variants in nearby residues have been reported in the Human Gene Mutation Database in association with EDS (Stenson et al., 2014), and the K262T variant does not affect a Glycine residue in a Gly-X-Y motif in the triple helical region of the COL5A2 gene, where the majority of pathogenic missense variants occur (Stenson et al., 2014; Symoens et al., 2012). Therefore, based on the currently available information, it is unclear whether this variant is pathogenic or rare benign.

NM_000393.5(COL5A2):c.785A>C (p.Lys262Thr)

Gene: COL5A2 (collagen type V alpha 2 chain; minus strand). Cytogenetic location: 2q32.2.
Variant type: single nucleotide variant.
Coding change: c.785A>C on transcript NM_000393.5 (MANE Select); coding-DNA position 785, A replaced by C.
Protein change: p.Lys262Thr; replaces lysine 262 with threonine.
Molecular consequence: missense variant.
Genome position (GRCh38, 1-based): chr2:189,085,173, T>G on the plus strand (A>C on the coding strand, the complement: COL5A2 is on the minus strand). VCF-style: chr2-189085173-T-G. GRCh37 (hg19) VCF-style: chr2-189949899-T-G.
Other names: short protein forms K262T.
Identifiers: ClinVar variation 422040 (VCV000422040.2), dbSNP rs1064795517, ClinGen allele CA16617401.
Genomic context (GRCh38, chr2:189,085,173, plus strand): 5'-CTTCGCCTCTTCAAAACCTGAATGGAAAATGAGGAAAGGTAGCTTACATCTTCCCCAGGT[T>G]TACCAGGAGGGCCCTCTGGTCCACGTGAACCAATCGGACCCTAATAACAGAACAAAACAA-3'
Protein context (NP_000384.2, residues 252-272): GSRGPEGPPG[Lys262Thr]PGEDGEPGRN